The following is an entry in ClinVar:

NM_001042492.3(NF1):c.1716G>T (p.Glu572Asp)

Gene: NF1 (neurofibromin 1; plus strand). Cytogenetic location: 17q11.2.
Variant type: single nucleotide variant.
Coding change: c.1716G>T on transcript NM_001042492.3 (MANE Select); coding-DNA position 1716, G replaced by T.
Protein change: p.Glu572Asp; replaces glutamic acid 572 with aspartic acid.
Molecular consequence: missense variant.
Genome position (GRCh38, 1-based): chr17:31,221,924, G>T. VCF-style: chr17-31221924-G-T. GRCh37 (hg19) VCF-style: chr17-29548942-G-T.
Other names: c.1716G>T, p.Glu572Asp (NM_000267.4, NM_001128147.3); short protein forms E572D.
Identifiers: ClinVar variation 1040319 (VCV001040319.5), dbSNP rs2066929357, ClinGen allele CA399002376.
Genomic context (GRCh38, chr17:31,221,924, plus strand): 5'-TCATCAGTTAGATAGCATTGATTTGTGGAATCCTGATGCTCCTGTAGAAACATTTTGGGA[G>T]ATTAGGTATATGTACTTTTATTTTTTAAATTCAACTTTTAAATTTTATTTTGTATTTTTG-3'
Protein context (NP_001035957.1, residues 562-582): NPDAPVETFW[Glu572Asp]ISSQMLFYIC

ClinVar aggregate classification (germline): Uncertain significance (1 of 4 stars; one submission).

Conditions:
Neurofibromatosis, type 1 (NF1). Also called: VON RECKLINGHAUSEN DISEASE; NEUROFIBROMATOSIS, TYPE I, SOMATIC; Peripheral type neurofibromatosis; Neurofibromatosis, type I. Identifiers: Orphanet 636, MedGen C0027831, MONDO:0018975, OMIM 162200. Disease mechanism: loss of function.

Submission:

Labcorp Genetics (formerly Invitae), Labcorp
Classification: Uncertain significance for Neurofibromatosis, type 1. Last evaluated: 2020-07-30. Review status: criteria provided, single submitter. Criteria: Invitae Variant Classification Sherloc (09022015). Collection method: clinical testing. Allele origin: germline.
Comment: In summary, the available evidence is currently insufficient to determine the role of this variant in disease. Therefore, it has been classified as a Variant of Uncertain Significance. Advanced modeling of protein sequence and biophysical properties (such as structural, functional, and spatial information, amino acid conservation, physicochemical variation, residue mobility, and thermodynamic stability) performed at Invitae indicates that this missense variant is not expected to disrupt NF1 protein function. This variant has not been reported in the literature in individuals with NF1-related conditions. This variant is not present in population databases (ExAC no frequency). This sequence change replaces glutamic acid with aspartic acid at codon 572 of the NF1 protein (p.Glu572Asp). The glutamic acid residue is moderately conserved and there is a small physicochemical difference between glutamic acid and aspartic acid.